The following is an entry in ClinVar:

NM_001098671.2(RASGRP2):c.697-2A>G

Gene: RASGRP2 (RAS guanyl releasing protein 2; minus strand). Cytogenetic location: 11q13.1.
Variant type: single nucleotide variant.
Coding change: c.697-2A>G on transcript NM_001098671.2 (MANE Select); the canonical splice acceptor site of the intron before coding-DNA position 697, A replaced by G.
Molecular consequence: splice acceptor variant. On other transcripts: intron variant (4).
Genome position (GRCh38, 1-based): chr11:64,739,478, T>C on the plus strand (A>G on the coding strand, the complement: RASGRP2 is on the minus strand). VCF-style: chr11-64739478-T-C. GRCh37 (hg19) VCF-style: chr11-64506950-T-C.
Other names: c.697-2A>G (NM_153819.2, NM_001440690.1, NM_001440698.1 and 9 more transcripts); c.697-5A>G (NM_001440702.1, NM_001440701.1, NM_001440700.1); c.784-5A>G (NM_001440705.1); c.784-2A>G (NM_001440703.1, NM_001440704.1); c.262-2A>G (NM_001318398.2).
Identifiers: ClinVar variation 4995477 (VCV004995477.1).
Genomic context (GRCh38, chr11:64,739,478, plus strand): 5'-TGGCTCAGGCCCCCGACCACTGCCATCAGCGTGTTGAAGTTCTGCAGCTGTAGCAGCTTC[T>C]GGAAGGCAAATGGGGACGGAGAGGCAGGGAGTCACTGAGTGGGCCCAGAATTTGGCCCAG-3'

ClinVar aggregate classification (germline): Likely pathogenic (1 of 4 stars; one submission).

Conditions:
RASGRP2-related disorder. Also called: RASGRP2-related condition.

gnomAD v4.1: 1 of 1,614,080 alleles (0.000062%); highest among the groups gnomAD compares: Non-Finnish European, 0.000085%; no homozygotes.

Submission:

PreventionGenetics, part of Exact Sciences
Classification: Likely pathogenic for RASGRP2-related condition. Last evaluated: 2026-02-27. Review status: criteria provided, single submitter. Criteria: ACMG Guidelines, 2015. Collection method: clinical testing. Allele origin: germline.
Comment: The RASGRP2 c.697-2A>G variant is predicted to disrupt the AG splice acceptor site and interfere with normal splicing. To our knowledge, this variant has not been reported in the literature. This variant is reported in 0.00088% of alleles in individuals of European (Non-Finnish) descent in gnomAD. Variants that disrupt the consensus splice acceptor site in RASGRP2 are expected to be pathogenic. This variant is interpreted as likely pathogenic.